The following is an entry in ClinVar:

ClinVar aggregate classification (germline): Benign. Review status: criteria provided, multiple submitters, no conflicts (2 of 4 stars). 4 submissions from 3 submitters: Benign (4). Last evaluated 2021-05-12.

Conditions:
Maturity-onset diabetes of the young type 1. Also called: MILD JUVENILE DIABETES MELLITUS; MODY type 1; Diabetes mellitus MODY type 1; MODY HNF4A related; HNF4A-Related Maturity-Onset Diabetes of the Young Type 1; MODY, type I. Identifiers: Orphanet 552, MedGen C1852093, MONDO:0007452, OMIM 125850. Disease mechanism: loss of function.
Familial hyperinsulinism. Also called: Congenital hyperinsulinism. Identifiers: Orphanet 276525, MedGen C3888018, MONDO:0017182. Disease mechanism: loss of function.

Allele frequency attached by ClinVar (database versions not stated): 1000 Genomes Project 30x 0.05840; 1000 Genomes Project 0.05831.
gnomAD v4.1: 11,530 of 152,440 alleles (7.6%); highest among the groups gnomAD compares: Admixed American, 11%; 475 homozygotes.

Submissions (4):

GeneDx
Classification: Benign. Last evaluated: 2021-05-12. Review status: criteria provided, single submitter. Criteria: GeneDx Variant Classification Process June 2021. Collection method: clinical testing. Allele origin: germline. Affected: yes.

Illumina Laboratory Services, Illumina
Classification: Benign for Maturity-onset diabetes of the young type 1. Last evaluated: 2018-01-12. Review status: criteria provided, single submitter. Criteria: ICSL Variant Classification Criteria 13 December 2019. Collection method: clinical testing. Allele origin: germline.
Comment: This variant was observed in the ICSL laboratory as part of a predisposition screen in an ostensibly healthy population. It had not been previously curated by ICSL or reported in the Human Gene Mutation Database (HGMD: prior to June 1st, 2018), and was therefore a candidate for classification through an automated scoring system. Utilizing variant allele frequency, disease prevalence and penetrance estimates, and inheritance mode, an automated score was calculated to assess if this variant is too frequent to cause the disease. Based on the score and internal cut-off values, a variant classified as benign is not then subjected to further curation. The score for this variant resulted in a classification of benign for this disease.

Illumina Laboratory Services, Illumina
Classification: Benign for Familial hyperinsulinism. Last evaluated: 2018-01-12. Review status: criteria provided, single submitter. Criteria: ICSL Variant Classification Criteria 13 December 2019. Collection method: clinical testing. Allele origin: germline.
Comment: the same text as in the submission from Illumina Laboratory Services, Illumina above.

Breakthrough Genomics
Classification: Benign. Review status: criteria provided, single submitter. Criteria: ACMG Guidelines, 2015. Collection method: not provided. Allele origin: germline. Inheritance: Autosomal dominant inheritance. Affected: yes.

NM_175914.5(HNF4A):c.*906A>T

Gene: HNF4A (hepatocyte nuclear factor 4 alpha; plus strand). Cytogenetic location: 20q13.12.
Variant type: single nucleotide variant.
Coding change: c.*906A>T on transcript NM_175914.5 (MANE Select); 906 bases downstream of the stop codon, A replaced by T.
Molecular consequence: 3 prime UTR variant.
Genome position (GRCh38, 1-based): chr20:44,430,571, A>T. VCF-style: chr20-44430571-A-T. GRCh37 (hg19) VCF-style: chr20-43059211-A-T.
Other names: c.*906A>T (NM_000457.6, NM_001030003.3, NM_001258355.2 and 3 more transcripts).
Identifiers: ClinVar variation 338449 (VCV000338449.7), dbSNP rs3212210, ClinGen allele CA10652532.